The following is an entry in ClinVar:

ClinVar aggregate classification (germline): Uncertain significance (1 of 4 stars; one submission).

Allele frequency attached by ClinVar (database versions not stated): gnomAD exomes below 0.00001; TOPMed below 0.00001; gnomAD 0.00001.

Submission:

Labcorp Genetics (formerly Invitae), Labcorp
Classification: Uncertain significance. Last evaluated: 2026-01-28. Review status: criteria provided, single submitter. Criteria: Invitae Variant Classification Sherloc (09022015). Collection method: clinical testing. Allele origin: germline.
Comment: This sequence change replaces histidine, which is basic and polar, with tyrosine, which is neutral and polar, at codon 106 of the TNFRSF6B protein (p.His106Tyr). This variant is not present in population databases (gnomAD no frequency). This variant has not been reported in the literature in individuals affected with TNFRSF6B-related conditions. ClinVar contains an entry for this variant (Variation ID: 1468482). An algorithm developed to predict the effect of missense changes on protein structure and function (PolyPhen-2) suggests that this variant is likely to be tolerated. In summary, the available evidence is currently insufficient to determine the role of this variant in disease. Therefore, it has been classified as a Variant of Uncertain Significance.

NM_003823.4(TNFRSF6B):c.316C>T (p.His106Tyr)

Genes: RTEL1-TNFRSF6B (RTEL1-TNFRSF6B readthrough (NMD candidate); plus strand), TNFRSF6B (TNF receptor superfamily member 6b; plus strand). Cytogenetic location: 20q13.33.
Variant type: single nucleotide variant.
Coding change: c.316C>T on transcript NM_003823.4 (MANE Select); coding-DNA position 316, C replaced by T.
Protein change: p.His106Tyr; replaces histidine 106 with tyrosine.
Molecular consequence: missense variant. On other transcripts: non-coding transcript variant (1).
Genome position (GRCh38, 1-based): chr20:63,697,083, C>T. VCF-style: chr20-63697083-C-T. GRCh37 (hg19) VCF-style: chr20-62328436-C-T.
Other names: short protein forms H106Y.
Identifiers: ClinVar variation 1468482 (VCV001468482.8), dbSNP rs2090997611, ClinGen allele CA409711187.